The following is an entry in ClinVar:

NM_138576.4(BCL11B):c.1929_1943dup (p.Gly648_Gly649insAspAlaGlyAlaGly)

Gene: BCL11B (BCL11 transcription factor B; minus strand). Cytogenetic location: 14q32.2.
Variant type: Duplication.
Coding change: c.1929_1943dup on transcript NM_138576.4 (MANE Select); coding-DNA positions 1929 to 1943, 15 bases duplicated (GGACGCGGGCGCGGG).
Protein change: p.Gly648_Gly649insAspAlaGlyAlaGly.
Molecular consequence: inframe insertion.
Genome position (GRCh38, 1-based): chr14:99,174,893-99,174,907, CCCGCGCCCGCGTCC duplicated on the plus strand (GGACGCGGGCGCGGG on the coding strand, the reverse complement: BCL11B is on the minus strand); duplicating any 15 consecutive bases within chr14:99,174,893-99,174,909 gives the same sequence; the c. name uses the placement nearest the transcript's 3' end. VCF-style (leftmost placement, unchanged base first): chr14-99174892-G-GCCCGCGCCCGCGTCC. GRCh37 (hg19) VCF-style: chr14-99641229-G-GCCCGCGCCCGCGTCC.
Other names: c.1926_1940dup, p.Gly647_Gly648insAspAlaGlyAlaGly (NM_001282237.2); c.1713_1727dup, p.Gly576_Gly577insAspAlaGlyAlaGly (NM_001282238.2); c.1716_1730dup, p.Gly577_Gly578insAspAlaGlyAlaGly (NM_022898.3).
Identifiers: ClinVar variation 1937291 (VCV001937291.5), dbSNP rs1886429546, ClinGen allele CA2158268103.
Genomic context (GRCh38, chr14:99,174,892, plus strand): 5'-GAGCCCGGGGAAGGGCTCGGTGCCTGGCGCGAAGCCGCCCCCGCGCCCGTTGACCGCGCC[G>GCCCGCGCCCGCGTCC]CCCGCGCCCGCGTCCCCGCAGCCGCCCGCGTCGTCGTCGTCGCCCGCGTCCCCGCCGCCC-3'

ClinVar aggregate classification (germline): Uncertain significance (1 of 4 stars; one submission).

Submission:

Labcorp Genetics (formerly Invitae), Labcorp
Classification: Uncertain significance. Last evaluated: 2022-10-07. Review status: criteria provided, single submitter. Criteria: Invitae Variant Classification Sherloc (09022015). Collection method: clinical testing. Allele origin: germline.
Comment: This variant, c.1929_1943dup, results in the insertion of 5 amino acid(s) of the BCL11B protein (p.Asp644_Gly648dup), but otherwise preserves the integrity of the reading frame. The frequency data for this variant in the population databases is considered unreliable, as metrics indicate insufficient coverage at this position in the gnomAD database. This variant has not been reported in the literature in individuals affected with BCL11B-related conditions. In summary, the available evidence is currently insufficient to determine the role of this variant in disease. Therefore, it has been classified as a Variant of Uncertain Significance.